The following is an entry in ClinVar:

NM_001134407.3(GRIN2A):c.1692G>A (p.Met564Ile)

Gene: GRIN2A (glutamate ionotropic receptor NMDA type subunit 2A; minus strand). Cytogenetic location: 16p13.2.
Variant type: single nucleotide variant.
Coding change: c.1692G>A on transcript NM_001134407.3 (MANE Select); coding-DNA position 1692, G replaced by A.
Protein change: p.Met564Ile; replaces methionine 564 with isoleucine.
Molecular consequence: missense variant.
Genome position (GRCh38, 1-based): chr16:9,834,190, C>T on the plus strand (G>A on the coding strand, the complement: GRIN2A is on the minus strand). VCF-style: chr16-9834190-C-T. GRCh37 (hg19) VCF-style: chr16-9928047-C-T.
Other names: c.1692G>A, p.Met564Ile (NM_000833.5, NM_001134408.2); short protein forms M564I.
Identifiers: ClinVar variation 3637280 (VCV003637280.2).

ClinVar aggregate classification (germline): Uncertain significance (1 of 4 stars; one submission).

Conditions:
Landau-Kleffner syndrome (FESD). Also called: EPILEPSY, FOCAL, WITH SPEECH DISORDER AND WITH OR WITHOUT MENTAL RETARDATION; APHASIA, ACQUIRED, WITH EPILEPSY. Identifiers: Orphanet 1945, Orphanet 725, Orphanet 98818, MedGen C0282512, MONDO:0009509, OMIM 245570.

Submission:

Labcorp Genetics (formerly Invitae), Labcorp
Classification: Uncertain significance for Landau-Kleffner syndrome. Last evaluated: 2024-09-30. Review status: criteria provided, single submitter. Criteria: Invitae Variant Classification Sherloc (09022015). Collection method: clinical testing. Allele origin: germline.
Comment: This sequence change replaces methionine, which is neutral and non-polar, with isoleucine, which is neutral and non-polar, at codon 564 of the GRIN2A protein (p.Met564Ile). This variant is not present in population databases (gnomAD no frequency). This variant has not been reported in the literature in individuals affected with GRIN2A-related conditions. Invitae Evidence Modeling of protein sequence and biophysical properties (such as structural, functional, and spatial information, amino acid conservation, physicochemical variation, residue mobility, and thermodynamic stability) indicates that this missense variant is not expected to disrupt GRIN2A protein function with a negative predictive value of 95%. This variant disrupts the p.Met564 amino acid residue in GRIN2A. Other variant(s) that disrupt this residue have been determined to be pathogenic (internal data). This suggests that this residue is clinically significant, and that variants that disrupt this residue are likely to be disease-causing. In summary, the available evidence is currently insufficient to determine the role of this variant in disease. Therefore, it has been classified as a Variant of Uncertain Significance.